The following is an entry in ClinVar:

GRCh38/hg38 8p23.1(chr8:7411297-7895064)x3

Genes: DEFB103A (defensin beta 103A; plus strand), DEFB103B (defensin beta 103B), DEFB104A (defensin beta 104A; plus strand), DEFB104B (defensin beta 104B), DEFB105A (defensin beta 105A; minus strand) and 23 more. Cytogenetic location: 8p23.1.
Variant type: copy number gain.
Change: copy number 3 (three copies instead of two) of chr8:7,411,297-7,895,064 (483.8 kb, GRCh38 coordinates, 1-based), cytogenetic band 8p23.1.
Identifiers: ClinVar variation 160912 (VCV000160912.1).

ClinVar aggregate classification (germline): Benign. Review status: criteria provided, multiple submitters, no conflicts (2 of 4 stars). 2 submissions from 2 submitters: Benign (2). Last evaluated 2011-08-12.

Submissions (2):

ISCA site 15
Classification: Benign. Last evaluated: 2011-08-12. Review status: criteria provided, single submitter. Criteria: Kaminsky et al. (Genet Med. 2011). Collection method: clinical testing. Allele origin: unknown. Affected: yes. Observed: 1 variant allele.
Comment: Copy number variation identified through the course of routine clinical cytogenomic testing in postnatal populations. Clinical assertions have been curated as described in Kaminsky et al. 2011.

ISCA site 4
Classification: Benign. Last evaluated: 2011-08-12. Review status: criteria provided, single submitter. Criteria: Kaminsky et al. (Genet Med. 2011). Collection method: clinical testing. Allele origin: unknown. Affected: yes. Observed: 16 variant alleles. Clinical features observed: Secundum atrial septal defect (HP:0001684), Branchial anomaly (HP:0009794), Developmental delay AND/OR other significant developmental or morphological phenotypes, Global developmental delay (HP:0001263), Conductive hearing impairment (HP:0000405), Coarctation of aorta (HP:0001680), Abnormality of the kidney (HP:0000077), Expressive language delay (HP:0002474), Incoordination (HP:0002311), Abnormality of the nervous system (HP:0000707).
Comment: the same text as in the submission from ISCA site 15 above.